The following is an entry in ClinVar:

NM_001322934.2(NFKB2):c.482C>T (p.Ser161Phe)

Gene: NFKB2 (nuclear factor kappa B subunit 2; plus strand). Cytogenetic location: 10q24.32.
Variant type: single nucleotide variant.
Coding change: c.482C>T on transcript NM_001322934.2 (MANE Select); coding-DNA position 482, C replaced by T.
Protein change: p.Ser161Phe; replaces serine 161 with phenylalanine.
Molecular consequence: missense variant.
Genome position (GRCh38, 1-based): chr10:102,397,388, C>T. VCF-style: chr10-102397388-C-T. GRCh37 (hg19) VCF-style: chr10-104157145-C-T.
Other names: c.482C>T, p.Ser161Phe (NM_001077493.1, NM_001077494.3, NM_001261403.3 and 3 more transcripts); short protein forms S161F.
Identifiers: ClinVar variation 2785737 (VCV002785737.3), dbSNP rs1348141981, ClinGen allele CA377896802.

ClinVar aggregate classification (germline): Uncertain significance (1 of 4 stars; one submission).

Conditions:
Immunodeficiency, common variable, 10. Also called: IMMUNODEFICIENCY, COMMON VARIABLE, WITH CENTRAL ADRENAL INSUFFICIENCY; DEFICIT IN ANTERIOR PITUITARY FUNCTION AND VARIABLE IMMUNODEFICIENCY. Identifiers: MedGen C3809991, MONDO:0014260, OMIM 615577.

Submission:

Labcorp Genetics (formerly Invitae), Labcorp
Classification: Uncertain significance for Immunodeficiency, common variable, 10. Last evaluated: 2024-12-31. Review status: criteria provided, single submitter. Criteria: Invitae Variant Classification Sherloc (09022015). Collection method: clinical testing. Allele origin: germline.
Comment: This sequence change replaces serine, which is neutral and polar, with phenylalanine, which is neutral and non-polar, at codon 161 of the NFKB2 protein (p.Ser161Phe). This variant is not present in population databases (gnomAD no frequency). This variant has not been reported in the literature in individuals affected with NFKB2-related conditions. ClinVar contains an entry for this variant (Variation ID: 2785737). An algorithm developed to predict the effect of missense changes on protein structure and function (PolyPhen-2) suggests that this variant is likely to be disruptive. In summary, the available evidence is currently insufficient to determine the role of this variant in disease. Therefore, it has been classified as a Variant of Uncertain Significance.